The following is an entry in ClinVar:

ClinVar aggregate classification (germline): Uncertain significance (1 of 4 stars; one submission).

Submission:

GeneDx
Classification: Uncertain significance. Last evaluated: 2019-05-01. Review status: criteria provided, single submitter. Criteria: GeneDx Variant Classification Process June 2021. Collection method: clinical testing. Allele origin: germline. Affected: yes.
Comment: Nonsense variant predicted to result in protein truncation in a gene for which loss-of-function is not a known mechanism of disease; Not observed in large population cohorts (Lek et al., 2016); Has not been previously published as pathogenic or benign to our knowledge; Variants in candidate genes are classified as variants of uncertain significance in accordance with ACMG guidelines (Richards et al., 2015)

NM_001378457.1(DMXL2):c.7130T>G (p.Leu2377Ter)

Gene: DMXL2 (Dmx like 2; minus strand). Cytogenetic location: 15q21.2.
Variant type: single nucleotide variant.
Coding change: c.7130T>G on transcript NM_001378457.1 (MANE Select); coding-DNA position 7130, T replaced by G.
Protein change: p.Leu2377Ter; replaces leucine 2377 with a stop codon.
Molecular consequence: nonsense. On other transcripts: non-coding transcript variant (2).
Genome position (GRCh38, 1-based): chr15:51,474,427, A>C on the plus strand (T>G on the coding strand, the complement: DMXL2 is on the minus strand). VCF-style: chr15-51474427-A-C. GRCh37 (hg19) VCF-style: chr15-51766624-A-C.
Other names: c.7130T>G, p.Leu2377Ter (NM_001174116.3, NM_001378459.1, NM_001378461.1 and 1 more transcripts); c.5219T>G, p.Leu1740Ter (NM_001174117.3); c.7127T>G, p.Leu2376Ter (NM_001378458.1, NM_001378462.1, NM_015263.5); c.5108T>G, p.Leu1703Ter (NM_001378460.1); c.6887T>G, p.Leu2296Ter (NM_001378464.1); short protein forms L1703*, L1740*, L2296*, L2376*, L2377*.
Identifiers: ClinVar variation 1304921 (VCV001304921.2), dbSNP rs2140326306, ClinGen allele CA392441046.